The following is an entry in ClinVar:

NM_001009944.3(PKD1):c.10363C>T (p.Leu3455=)

Gene: PKD1 (polycystin 1, transient receptor potential channel interacting; minus strand). Cytogenetic location: 16p13.3.
Variant type: single nucleotide variant.
Coding change: c.10363C>T on transcript NM_001009944.3 (MANE Select); coding-DNA position 10363, C replaced by T.
Protein change: p.Leu3455=; no amino-acid change (leucine 3455 retained).
Molecular consequence: synonymous variant.
Genome position (GRCh38, 1-based): chr16:2,097,361, G>A on the plus strand (C>T on the coding strand, the complement: PKD1 is on the minus strand). VCF-style: chr16-2097361-G-A. GRCh37 (hg19) VCF-style: chr16-2147362-G-A.
Other names: c.10360C>T, p.Leu3454= (NM_000296.4).
Identifiers: ClinVar variation 997230 (VCV000997230.36), dbSNP rs114102239, ClinGen allele CA7829641.

ClinVar aggregate classification (germline): Likely benign. Review status: criteria provided, multiple submitters, no conflicts (2 of 4 stars). 4 submissions from 4 submitters: Likely benign (3). 1 of the submissions does not count toward it. Last evaluated 2025-07-15.

Conditions:
Polycystic kidney disease. Also called: Kidney, Polycystic; Polycystic kidney dysplasia. Identifiers: MedGen C0022680, MeSH D007690, MONDO:0020642, HP:0000113.

Allele frequency attached by ClinVar (database versions not stated): 1000 Genomes Project 30x 0.00016; TOPMed 0.00016; 1000 Genomes Project 0.00020; gnomAD 0.00021 and 0.00022; gnomAD exomes 0.00029; ESP Exome Variant Server 0.00031; ExAC 0.00039.

Submissions (4):

Women's Health and Genetics/Laboratory Corporation of America, LabCorp
Classification: Likely benign. Last evaluated: 2025-07-15. Review status: criteria provided, single submitter. Criteria: LabCorp Variant Classification Summary - May 2015. Collection method: clinical testing. Allele origin: germline.

Blueprint Genetics
Classification: Likely benign. Last evaluated: 2024-11-12. Review status: criteria provided, single submitter. Criteria: ACMG Guidelines, 2015. Collection method: clinical testing. Allele origin: germline.

CeGaT Center for Human Genetics Tuebingen
Classification: Likely benign. Last evaluated: 2022-01-01. Review status: criteria provided, single submitter. Criteria: CeGaT Center For Human Genetics Tuebingen Variant Classification Criteria Version 2. Collection method: clinical testing. Allele origin: germline. Affected: yes. Observed: 1 variant allele.

Department of Pathology and Laboratory Medicine, Sinai Health System
Classification: Uncertain significance for Polycystic Kidney disease. Review status: no assertion criteria provided. Collection method: clinical testing. Allele origin: unknown. Affected: yes. Study: The Canadian Open Genetics Repository (COGR). Not counted in ClinVar's aggregate classification.
Comment: The PKD1 p.Leu3455= variant was identified in 1 of 110 proband chromosomes (frequency: 0.009) from individuals or families with ADPKD (Eisenberger 2015). The variant was also identified in dbSNP (ID: rs114102239) as "NA", and the ADPKD Mutation Database (classified as likely neutral by CRISP Consortium). The variant was not identified in ClinVar, LOVD 3.0 or PKD1-LOVD databases. The variant was identified in control databases in 78 of 273626 chromosomes at a frequency of 0.0003 increasing the likelihood this could be a low frequency benign variant (Genome Aggregation Database Feb 27, 2017). The variant was observed in the following populations: African in 3 of 23626 chromosomes (freq: 0.0001), European Non-Finnish in 52 of 124766 chromosomes (freq: 0.0004), European Finnish in 23 of 24844 chromosomes (freq: 0.0009), while the variant was not observed in the Other, Latino, Ashkenazi Jewish, East Asian, and South Asian populations. In addition we cannot be certain that data from control databases is specific to PKD1 and not from one of the six PKD1 pseudogenes. The p.Leu3455= variant is not expected to have clinical significance because it does not result in a change of amino acid and is not located in a known consensus splice site. The variant occurs outside of the splicing consensus sequence and in silico or computational prediction software programs (SpliceSiteFinder, MaxEntScan, NNSPLICE, GeneSplicer) do not predict a difference in splicing. In summary, based on the above information the clinical significance of this variant cannot be determined with certainty at this time. This variant is classified as a variant of uncertain significance.